The following is an entry in ClinVar:

ClinVar aggregate classification (germline): Uncertain significance (1 of 4 stars; one submission).

Conditions:
Hereditary cancer-predisposing syndrome. Also called: Neoplastic Syndromes, Hereditary; Tumor predisposition; Hereditary Cancer Syndrome; Hereditary neoplastic syndrome. Identifiers: Orphanet 140162, MedGen C0027672, MeSH D009386, MONDO:0015356.

Submission:

Ambry Genetics
Classification: Uncertain significance for Hereditary cancer-predisposing syndrome. Last evaluated: 2026-04-23. Review status: criteria provided, single submitter. Criteria: Ambry Variant Classification Scheme 2023. Collection method: clinical testing. Allele origin: germline.
Comment: The p.M235I variant (also known as c.705G>C), located in coding exon 7 of the SMARCE1 gene, results from a G to C substitution at nucleotide position 705. The methionine at codon 235 is replaced by isoleucine, an amino acid with highly similar properties. This amino acid position is conserved. In addition, the in silico prediction for this alteration is inconclusive. Based on the available evidence, the clinical significance of this variant remains unclear.

NM_003079.5(SMARCE1):c.705G>C (p.Met235Ile)

Gene: SMARCE1 (SWI/SNF related BAF chromatin remodeling complex subunit E1; minus strand). Cytogenetic location: 17q21.2.
Variant type: single nucleotide variant.
Coding change: c.705G>C on transcript NM_003079.5 (MANE Select); coding-DNA position 705, G replaced by C.
Protein change: p.Met235Ile; replaces methionine 235 with isoleucine.
Molecular consequence: missense variant.
Genome position (GRCh38, 1-based): chr17:40,632,204, C>G on the plus strand (G>C on the coding strand, the complement: SMARCE1 is on the minus strand). VCF-style: chr17-40632204-C-G. GRCh37 (hg19) VCF-style: chr17-38788456-C-G.
Other names: short protein forms M235I.
Identifiers: ClinVar variation 4864871 (VCV004864871.1).